The following is an entry in ClinVar:

NM_004771.4(MMP20):c.625G>C (p.Glu209Gln)

Gene: MMP20 (matrix metallopeptidase 20; minus strand). Cytogenetic location: 11q22.2.
Variant type: single nucleotide variant.
Coding change: c.625G>C on transcript NM_004771.4 (MANE Select); coding-DNA position 625, G replaced by C.
Protein change: p.Glu209Gln; replaces glutamic acid 209 with glutamine.
Molecular consequence: missense variant.
Genome position (GRCh38, 1-based): chr11:102,609,929, C>G on the plus strand (G>C on the coding strand, the complement: MMP20 is on the minus strand). VCF-style: chr11-102609929-C-G. GRCh37 (hg19) VCF-style: chr11-102480660-C-G.
Other names: short protein forms E209Q.
Identifiers: ClinVar variation 917990 (VCV000917990.5), dbSNP rs199788797, ClinGen allele CA6248401.
Genomic context (GRCh38, chr11:102,609,929, plus strand): 5'-ATATTTTCCAGGTTATGGTGAATTGTGCATATATACCATTCGTTCCCATAGTCCACTTCT[C>G]AGCATTGTCGAAATGTGTATCTCCTCCCAGGCCTTCTCCAGGAGCAAATGCATGGGCTAG-3'
Protein context (NP_004762.2, residues 199-219): LGGDTHFDNA[Glu209Gln]KWTMGTNGFN

ClinVar aggregate classification (germline): Pathogenic/Likely pathogenic. Review status: criteria provided, multiple submitters, no conflicts (2 of 4 stars). 3 submissions from 3 submitters: Pathogenic (1); Likely pathogenic (1). 1 of the submissions does not count toward it. Last evaluated 2023-06-29.

Conditions:
Amelogenesis imperfecta hypomaturation type 2A2. Also called: AMELOGENESIS IMPERFECTA, PIGMENTED HYPOMATURATION TYPE, 2; Amelogenesis imperfecta, type IIA2; Amelogenesis imperfecta, hypomaturation type, IIA2. Identifiers: Orphanet 88661, MedGen C2675858, MONDO:0012926, OMIM 612529. Disease mechanism: loss of function.

Allele frequency attached by ClinVar (database versions not stated): gnomAD exomes 0.00003 and 0.00006; gnomAD below 0.00001 and 0.00001; ExAC 0.00007.
gnomAD v4.1: 51 of 1,614,052 alleles (0.0032%); highest among the groups gnomAD compares: South Asian, 0.055%; 2 homozygotes.

Submissions (3):

MVZ Medizinische Genetik Mainz
Classification: Pathogenic for Amelogenesis imperfecta hypomaturation type 2A2. Last evaluated: 2023-06-29. Review status: criteria provided, single submitter. Criteria: UK Practice Guidelines For Variant Classification V4 01 2020. Collection method: clinical testing. Allele origin: germline. Inheritance: Autosomal recessive inheritance. Affected: yes. Observed: 1 variant allele.
Comment: ACMG Criteria: PM3_STR,PP1_STR,PM1,PM2_SUP,PP4

Lifecell International Pvt. Ltd
Classification: Likely pathogenic for Amelogenesis imperfecta hypomaturation type 2A2. Review status: criteria provided, single submitter. Criteria: ACMG Guidelines, 2015. Collection method: clinical testing. Allele origin: germline. Inheritance: Autosomal recessive inheritance. Affected: yes. Observed: 1 compound heterozygote.
Comment: A Heterozygous Missense variant c.625G>C in Exon 4 of the MMP20 gene that results in the amino acid substitution p.Glu209Gln was identified. The observed variant has a maximum allele frequency of 0.00006/% in gnomAD exomes and novel in genomes, respectively. The severity of the impact of this variant on the protein is high, based on the effect of the protein and REVEL score . Rare Exome Variant Ensemble Learner (REVEL) is an ensembl method for predicting the pathogenicity of missense variants based on a combination of scores from 13 individual tools: MutPred, FATHMM v2.3, VEST 3.0, PolyPhen-2, SIFT, PROVEAN, MutationAssessor, MutationTaster, LRT, GERP++, SiPhy, phyloP, and phastCons. The REVEL score for an individual missense variant can range from 0 to 1, with higher scores reflecting greater likelihood that the variant is disease-causing. ClinVar has also classified this variant as Pathogenic (Variant ID: 917990). Based on the above evidence this variant has been classified as Likely Pathogenic according to the ACMG guidelines.

Leeds Amelogenesis Imperfecta Research Group, University of Leeds
Classification: Pathogenic for Amelogenesis imperfecta hypomaturation type 2A2. Last evaluated: 2020-06-11. Review status: no assertion criteria provided. Collection method: research. Allele origin: germline. Affected: yes. Observed: 7 variant alleles. Not counted in ClinVar's aggregate classification.